The following is an entry in ClinVar:

ClinVar aggregate classification (germline): Likely benign. Review status: criteria provided, multiple submitters, no conflicts (2 of 4 stars). 2 submissions from 2 submitters: Likely benign (2). Last evaluated 2026-01-12.

Conditions:
Brody myopathy. Also called: BRODY DISEASE. Identifiers: Orphanet 53347, MedGen C1832918, MONDO:0010977, OMIM 601003.

Allele frequency attached by ClinVar (database versions not stated): ExAC 0.00004; gnomAD 0.00004 and 0.00005; gnomAD exomes 0.00004 and 0.00005; TOPMed 0.00005.
gnomAD v4.1: 59 of 1,614,138 alleles (0.0037%); highest among the groups gnomAD compares: Admixed American, 0.017%; no homozygotes.

Submissions (2):

Labcorp Genetics (formerly Invitae), Labcorp
Classification: Likely benign for Brody myopathy. Last evaluated: 2026-01-12. Review status: criteria provided, single submitter. Criteria: Invitae Variant Classification Sherloc (09022015). Collection method: clinical testing. Allele origin: germline.

Mayo Clinic Laboratories, Mayo Clinic
Classification: Likely benign. Last evaluated: 2025-02-14. Review status: criteria provided, single submitter. Criteria: ACMG Guidelines, 2015. Collection method: clinical testing. Allele origin: germline. Observed: 1 variant allele.
Comment: BP4, BP7

NM_004320.6(ATP2A1):c.2274G>A (p.Lys758=)

Gene: ATP2A1 (ATPase sarcoplasmic/endoplasmic reticulum Ca2+ transporting 1; plus strand). Cytogenetic location: 16p11.2.
Variant type: single nucleotide variant.
Coding change: c.2274G>A on transcript NM_004320.6 (MANE Select); coding-DNA position 2274, G replaced by A.
Protein change: p.Lys758=; no amino-acid change (lysine 758 retained).
Molecular consequence: synonymous variant.
Genome position (GRCh38, 1-based): chr16:28,902,036, G>A. VCF-style: chr16-28902036-G-A. GRCh37 (hg19) VCF-style: chr16-28913357-G-A.
Other names: p.Lys758=; c.2274G>A (NM_173201.4); c.1899G>A, p.Lys633= (NM_001286075.2); c.2274G>A, p.Lys758= (NM_173201.5).
Identifiers: ClinVar variation 1135988 (VCV001135988.10), dbSNP rs750855853, ClinGen allele CA7987210.